The following is an entry in ClinVar:

NM_000059.4(BRCA2):c.4797T>C (p.Asn1599=)

Gene: BRCA2 (BRCA2 DNA repair associated; plus strand). Cytogenetic location: 13q13.1.
Variant type: single nucleotide variant.
Coding change: c.4797T>C on transcript NM_000059.4 (MANE Select); coding-DNA position 4797, T replaced by C.
Protein change: p.Asn1599=; no amino-acid change (asparagine 1599 retained).
Molecular consequence: synonymous variant.
Genome position (GRCh38, 1-based): chr13:32,339,152, T>C. VCF-style: chr13-32339152-T-C. GRCh37 (hg19) VCF-style: chr13-32913289-T-C.
Identifiers: ClinVar variation 427427 (VCV000427427.17), dbSNP rs543172402, ClinGen allele CA6940813.

ClinVar aggregate classification (germline): Likely benign. Review status: reviewed by expert panel (3 of 4 stars). 4 submissions from 4 submitters: Likely benign (1). 3 of the submissions do not count toward it. Last evaluated 2017-06-29.

Conditions:
Hereditary cancer-predisposing syndrome. Also called: Hereditary neoplastic syndrome; Hereditary Cancer Syndrome; Neoplastic Syndromes, Hereditary; Tumor predisposition. Identifiers: Orphanet 140162, MedGen C0027672, MeSH D009386, MONDO:0015356.
Breast-ovarian cancer, familial, susceptibility to, 2 (BROVCA2). Also called: BRCA2 Hereditary Breast and Ovarian Cancer. Identifiers: Orphanet 145, MedGen C2675520, MONDO:0012933, OMIM 612555. Disease mechanism: loss of function.
Hereditary breast ovarian cancer syndrome. Also called: Hereditary breast and ovarian cancer syndrome; BRCA1- and BRCA2-Associated Hereditary Breast and Ovarian Cancer; Hereditary breast and/or ovarian cancer syndrome; Hereditary breast and ovarian cancer; Breast and ovarian cancer; Hereditary breast and ovarian cancer syndrome (HBOC). Identifiers: Orphanet 145, MedGen C0677776, MeSH D061325, MONDO:0003582. Disease mechanism: loss of function.

Allele frequency attached by ClinVar (database versions not stated): gnomAD exomes below 0.00001; ExAC 0.00001; gnomAD 0.00001; 1000 Genomes Project 30x 0.00016; 1000 Genomes Project 0.00020.
gnomAD v4.1: 1 of 1,613,998 alleles (0.000062%); highest among the groups gnomAD compares: African/African-American, 0.0013%; no homozygotes.

Submissions (4):

Evidence-based Network for the Interpretation of Germline Mutant Alleles (ENIGMA)
Classification: Likely benign for Breast-ovarian cancer, familial, susceptibility to, 2. Last evaluated: 2017-06-29. Review status: reviewed by expert panel. Criteria: ENIGMA BRCA1/2 Classification Criteria (2017-06-29). Collection method: curation. Allele origin: germline.
Comment: Synonymous substitution variant, with low bioinformatic likelihood to result in a splicing aberration (Splicing prior probability 0.02).

Labcorp Genetics (formerly Invitae), Labcorp
Classification: Likely benign for Hereditary breast ovarian cancer syndrome. Last evaluated: 2025-08-06. Review status: criteria provided, single submitter. Criteria: Invitae Variant Classification Sherloc (09022015). Collection method: clinical testing. Allele origin: germline. Not counted in ClinVar's aggregate classification.

Color Diagnostics, LLC DBA Color Health
Classification: Likely benign for Hereditary cancer-predisposing syndrome. Last evaluated: 2024-08-12. Review status: criteria provided, single submitter. Criteria: ACMG Guidelines, 2015. Collection method: clinical testing. Allele origin: germline. Not counted in ClinVar's aggregate classification.

Ambry Genetics
Classification: Likely benign for Hereditary cancer-predisposing syndrome. Last evaluated: 2022-07-17. Review status: criteria provided, single submitter. Criteria: Ambry Variant Classification Scheme 2023. Collection method: clinical testing. Allele origin: germline. Not counted in ClinVar's aggregate classification.